The following is an entry in ClinVar:

ClinVar aggregate classification (germline): Pathogenic (1 of 4 stars; one submission).

gnomAD v4.1: 1 of 1,571,518 alleles (0.000064%); highest among the groups gnomAD compares: Non-Finnish European, 0.000086%; no homozygotes.

Submission:

GeneDx
Classification: Pathogenic. Last evaluated: 2024-08-19. Review status: criteria provided, single submitter. Criteria: GeneDx Variant Classification Process June 2021. Collection method: clinical testing. Allele origin: germline. Affected: yes.
Comment: Nonsense variant predicted to result in protein truncation or nonsense mediated decay in a gene for which loss of function is a known mechanism of disease; Not observed at significant frequency in large population cohorts (gnomAD); Has not been previously published as pathogenic or benign to our knowledge

NM_001009944.3(PKD1):c.10763G>A (p.Trp3588Ter)

Genes: PKD1 (polycystin 1, transient receptor potential channel interacting; minus strand), PKD1-AS1 (PKD1 antisense RNA 1; plus strand). Cytogenetic location: 16p13.3.
Variant type: single nucleotide variant.
Coding change: c.10763G>A on transcript NM_001009944.3 (MANE Select); coding-DNA position 10763, G replaced by A.
Protein change: p.Trp3588Ter; replaces tryptophan 3588 with a stop codon.
Molecular consequence: nonsense.
Genome position (GRCh38, 1-based): chr16:2,093,869, C>T on the plus strand (G>A on the coding strand, the complement: PKD1 is on the minus strand). VCF-style: chr16-2093869-C-T. GRCh37 (hg19) VCF-style: chr16-2143870-C-T.
Other names: c.10760G>A, p.Trp3587Ter (NM_000296.4); short protein forms W3587*, W3588*.
Identifiers: ClinVar variation 3764201 (VCV003764201.1).